The following is an entry in ClinVar:

NM_000138.5(FBN1):c.1278G>A (p.Pro426=)

Gene: FBN1 (fibrillin 1; minus strand). Cytogenetic location: 15q21.1.
Variant type: single nucleotide variant.
Coding change: c.1278G>A on transcript NM_000138.5 (MANE Select); coding-DNA position 1278, G replaced by A.
Protein change: p.Pro426=; no amino-acid change (proline 426 retained).
Molecular consequence: synonymous variant.
Genome position (GRCh38, 1-based): chr15:48,516,232, C>T on the plus strand (G>A on the coding strand, the complement: FBN1 is on the minus strand). VCF-style: chr15-48516232-C-T. GRCh37 (hg19) VCF-style: chr15-48808429-C-T.
Identifiers: ClinVar variation 381538 (VCV000381538.14), dbSNP rs113245313, ClinGen allele CA044120.
Genomic context (GRCh38, chr15:48,516,232, plus strand): 5'-TGAATTCTTACTTGGTGGCTCCCGAGATGGATACAGATATTCCACTGGTGGTCGAGGGAC[C>T]GGAATTTGAGGTCCAGGAGGAAAGCCAGGAGGAACAGGGAGAACTGGAGGAATGGGGCCA-3'
Protein context (NP_000129.3, residues 416-436): PPGFPPGPQI[Pro426=]VPRPPVEYLY

ClinVar aggregate classification (germline): Likely benign. Review status: criteria provided, multiple submitters, no conflicts (2 of 4 stars). 8 submissions from 8 submitters: Likely benign (8). Last evaluated 2026-09-13.

Conditions:
Marfan syndrome (MFS). Also called: Marfan syndrome, classic; Marfan syndrome type 1; Marfan's syndrome; MARFAN SYNDROME, TYPE I; FBN1-Related Marfan Syndrome. Identifiers: Orphanet 284963, Orphanet 558, MedGen C0024796, MONDO:0007947, OMIM 154700.
Familial thoracic aortic aneurysm and aortic dissection (TAAD). Also called: Thoracic aortic aneurysms and dissections. Identifiers: Orphanet 91387, MedGen C4707243, MONDO:0019625.
FBN1-related disorder. Also called: FBN1-related disorders.

Allele frequency attached by ClinVar (database versions not stated): TOPMed 0.00004.
gnomAD v4.1: 27 of 1,612,488 alleles (0.0017%); highest among the groups gnomAD compares: Admixed American, 0.012%; no homozygotes.

Submissions (8):

PreventionGenetics, part of Exact Sciences
Classification: Likely benign for FBN1-related condition. Last evaluated: 2026-09-13. Review status: criteria provided, single submitter. Criteria: ACMG Guidelines, 2015. Collection method: clinical testing. Allele origin: germline.
Comment: This variant is classified as likely benign based on ACMG/AMP sequence variant interpretation guidelines (Richards et al. 2015 PMID: 25741868, with internal and published modifications).

Labcorp Genetics (formerly Invitae), Labcorp
Classification: Likely benign for Marfan syndrome; Familial thoracic aortic aneurysm and aortic dissection. Last evaluated: 2026-01-21. Review status: criteria provided, single submitter. Criteria: Invitae Variant Classification Sherloc (09022015). Collection method: clinical testing. Allele origin: germline.

All of Us Research Program, National Institutes of Health
Classification: Likely benign for Marfan syndrome. Last evaluated: 2024-02-05. Review status: criteria provided, single submitter. Criteria: ACMG Guidelines, 2015. Collection method: clinical testing. Allele origin: germline. Inheritance: Autosomal dominant inheritance. Observed: 7 variant alleles, 7 heterozygotes.
Comment: This study involves interpretation of variants in research participants for the purpose of population health screening. Participant phenotype was not available at the time of variant classification. Additional details can be found in publication PMID: 35346344, PMCID: PMC8962531

Blueprint Genetics
Classification: Likely benign. Last evaluated: 2021-07-30. Review status: criteria provided, single submitter. Criteria: ACMG Guidelines, 2015. Collection method: clinical testing. Allele origin: germline.

Ambry Genetics
Classification: Likely benign for Familial thoracic aortic aneurysm and aortic dissection. Last evaluated: 2020-01-17. Review status: criteria provided, single submitter. Criteria: Ambry Variant Classification Scheme 2023. Collection method: clinical testing. Allele origin: germline.

Color Diagnostics, LLC DBA Color Health
Classification: Likely benign for Familial thoracic aortic aneurysm and aortic dissection. Last evaluated: 2019-11-24. Review status: criteria provided, single submitter. Criteria: ACMG Guidelines, 2015. Collection method: clinical testing. Allele origin: germline.

Women's Health and Genetics/Laboratory Corporation of America, LabCorp
Classification: Likely benign. Last evaluated: 2019-08-28. Review status: criteria provided, single submitter. Criteria: LabCorp Variant Classification Summary - May 2015. Collection method: clinical testing. Allele origin: germline.

GeneDx
Classification: Likely benign. Last evaluated: 2015-11-19. Review status: criteria provided, single submitter. Criteria: GeneDx Variant Classification (06012015). Collection method: clinical testing. Allele origin: germline. Affected: yes.
Comment: This variant is considered likely benign or benign based on one or more of the following criteria: it is a conservative change, it occurs at a poorly conserved position in the protein, it is predicted to be benign by multiple in silico algorithms, and/or has population frequency not consistent with disease.